The following is an entry in ClinVar:

NM_000334.4(SCN4A):c.4507A>G (p.Asn1503Asp)

Genes: GH-LCR (growth hormone locus control region; plus strand), SCN4A (sodium voltage-gated channel alpha subunit 4; minus strand). Cytogenetic location: 17q23.3.
Variant type: single nucleotide variant.
Coding change: c.4507A>G on transcript NM_000334.4 (MANE Select); coding-DNA position 4507, A replaced by G.
Protein change: p.Asn1503Asp; replaces asparagine 1503 with aspartic acid.
Molecular consequence: missense variant.
Genome position (GRCh38, 1-based): chr17:63,941,775, T>C on the plus strand (A>G on the coding strand, the complement: SCN4A is on the minus strand). VCF-style: chr17-63941775-T-C. GRCh37 (hg19) VCF-style: chr17-62019135-T-C.
Other names: short protein forms N1503D.
Identifiers: ClinVar variation 1935405 (VCV001935405.5), dbSNP rs2509284931, ClinGen allele CA400615872.

ClinVar aggregate classification (germline): Uncertain significance (1 of 4 stars; one submission).

Conditions:
Hyperkalemic periodic paralysis. Also called: Familial hyperkalemic periodic paralysis; Gamstorp disease. Identifiers: Orphanet 682, MedGen C0238357, MONDO:0008224, OMIM 170500, HP:0007215.

Submission:

Labcorp Genetics (formerly Invitae), Labcorp
Classification: Uncertain significance for Hyperkalemic periodic paralysis. Last evaluated: 2022-08-02. Review status: criteria provided, single submitter. Criteria: Invitae Variant Classification Sherloc (09022015). Collection method: clinical testing. Allele origin: germline.
Comment: In summary, the available evidence is currently insufficient to determine the role of this variant in disease. Therefore, it has been classified as a Variant of Uncertain Significance. Algorithms developed to predict the effect of missense changes on protein structure and function are either unavailable or do not agree on the potential impact of this missense change (SIFT: "Deleterious"; PolyPhen-2: "Probably Damaging"; Align-GVGD: "Class C15"). This variant has not been reported in the literature in individuals affected with SCN4A-related conditions. This variant is not present in population databases (gnomAD no frequency). This sequence change replaces asparagine, which is neutral and polar, with aspartic acid, which is acidic and polar, at codon 1503 of the SCN4A protein (p.Asn1503Asp).